The following is an entry in ClinVar:

NM_001605.3(AARS1):c.2064G>C (p.Glu688Asp)

Gene: AARS1 (alanyl-tRNA synthetase 1; minus strand). Cytogenetic location: 16q22.1.
Variant type: single nucleotide variant.
Coding change: c.2064G>C on transcript NM_001605.3 (MANE Select); coding-DNA position 2064, G replaced by C.
Protein change: p.Glu688Asp; replaces glutamic acid 688 with aspartic acid.
Molecular consequence: missense variant.
Genome position (GRCh38, 1-based): chr16:70,258,146, C>G on the plus strand (G>C on the coding strand, the complement: AARS1 is on the minus strand). VCF-style: chr16-70258146-C-G. GRCh37 (hg19) VCF-style: chr16-70292049-C-G.
Other names: short protein forms E688D.
Identifiers: ClinVar variation 3652858 (VCV003652858.2).

ClinVar aggregate classification (germline): Uncertain significance (1 of 4 stars; one submission).

Conditions:
Charcot-Marie-Tooth disease type 2. Also called: Charcot-Marie-Tooth type 2. Identifiers: Orphanet 64746, MedGen C0270914, MONDO:0018993.

Submission:

Labcorp Genetics (formerly Invitae), Labcorp
Classification: Uncertain significance for Charcot-Marie-Tooth disease type 2. Last evaluated: 2024-05-09. Review status: criteria provided, single submitter. Criteria: Invitae Variant Classification Sherloc (09022015). Collection method: clinical testing. Allele origin: germline.
Comment: This sequence change replaces glutamic acid, which is acidic and polar, with aspartic acid, which is acidic and polar, at codon 688 of the AARS protein (p.Glu688Asp). This variant is not present in population databases (gnomAD no frequency). This variant has not been reported in the literature in individuals affected with AARS-related conditions. Advanced modeling of protein sequence and biophysical properties (such as structural, functional, and spatial information, amino acid conservation, physicochemical variation, residue mobility, and thermodynamic stability) performed at Invitae indicates that this missense variant is not expected to disrupt AARS protein function with a negative predictive value of 80%. In summary, the available evidence is currently insufficient to determine the role of this variant in disease. Therefore, it has been classified as a Variant of Uncertain Significance.